The following is an entry in ClinVar:

NM_000422.3(KRT17):c.588G>C (p.Glu196Asp)

Gene: KRT17 (keratin 17; minus strand). Cytogenetic location: 17q21.2.
Variant type: single nucleotide variant.
Coding change: c.588G>C on transcript NM_000422.3 (MANE Select); coding-DNA position 588, G replaced by C.
Protein change: p.Glu196Asp; replaces glutamic acid 196 with aspartic acid.
Molecular consequence: missense variant.
Genome position (GRCh38, 1-based): chr17:41,622,439, C>G on the plus strand (G>C on the coding strand, the complement: KRT17 is on the minus strand). VCF-style: chr17-41622439-C-G. GRCh37 (hg19) VCF-style: chr17-39778691-C-G.
Other names: short protein forms E196D.
Identifiers: ClinVar variation 3711147 (VCV003711147.2).

ClinVar aggregate classification (germline): Uncertain significance (1 of 4 stars; one submission).

gnomAD v4.1: 63 of 1,613,988 alleles (0.0039%); highest among the groups gnomAD compares: Non-Finnish European, 0.005%; no homozygotes.

Submission:

Labcorp Genetics (formerly Invitae), Labcorp
Classification: Uncertain significance. Last evaluated: 2024-03-05. Review status: criteria provided, single submitter. Criteria: Invitae Variant Classification Sherloc (09022015). Collection method: clinical testing. Allele origin: germline.
Comment: This sequence change replaces glutamic acid, which is acidic and polar, with aspartic acid, which is acidic and polar, at codon 196 of the KRT17 protein (p.Glu196Asp). This variant is present in population databases (rs182165448, gnomAD 0.008%). This variant has not been reported in the literature in individuals affected with KRT17-related conditions. Advanced modeling of protein sequence and biophysical properties (such as structural, functional, and spatial information, amino acid conservation, physicochemical variation, residue mobility, and thermodynamic stability) has been performed at Invitae for this missense variant, however the output from this modeling did not meet the statistical confidence thresholds required to predict the impact of this variant on KRT17 protein function. In summary, the available evidence is currently insufficient to determine the role of this variant in disease. Therefore, it has been classified as a Variant of Uncertain Significance.